The following is an entry in ClinVar:

NM_181534.4(KRT25):c.-2C>A

Gene: KRT25 (keratin 25; minus strand). Cytogenetic location: 17q21.2.
Variant type: single nucleotide variant.
Coding change: c.-2C>A on transcript NM_181534.4 (MANE Select); 2 bases upstream of the start codon, C replaced by A.
Molecular consequence: 5 prime UTR variant.
Genome position (GRCh38, 1-based): chr17:40,755,273, G>T on the plus strand (C>A on the coding strand, the complement: KRT25 is on the minus strand). VCF-style: chr17-40755273-G-T. GRCh37 (hg19) VCF-style: chr17-38911525-G-T.
Other names: c.-2C>A (NM_181534.3).
Identifiers: ClinVar variation 2647746 (VCV002647746.24), dbSNP rs139726500, ClinGen allele CA8546501.

ClinVar aggregate classification (germline): Benign. Review status: criteria provided, single submitter (1 of 4 stars). 2 submissions from 2 submitters: Benign (1). 1 of the submissions does not count toward it. Last evaluated 2023-09-01.

Conditions:
KRT25-related disorder. Also called: KRT25-related condition.

Allele frequency attached by ClinVar (database versions not stated): 1000 Genomes Project 30x 0.00297; 1000 Genomes Project 0.00379; TOPMed 0.00582; ESP Exome Variant Server 0.00733; gnomAD 0.01035; ExAC 0.01446.
gnomAD v4.1: 18,320 of 1,611,912 alleles (1.1%); highest among the groups gnomAD compares: Non-Finnish European, 1.1%; 237 homozygotes.

Submissions (2):

CeGaT Center for Human Genetics Tuebingen
Classification: Benign. Last evaluated: 2023-09-01. Review status: criteria provided, single submitter. Criteria: CeGaT Center For Human Genetics Tuebingen Variant Classification Criteria Version 2. Collection method: clinical testing. Allele origin: germline. Affected: yes. Observed: 1 variant allele.
Comment: KRT25: BP4, BS1, BS2

PreventionGenetics, part of Exact Sciences
Classification: Benign for KRT25-related condition. Last evaluated: 2024-03-27. Review status: no assertion criteria provided. Collection method: clinical testing. Allele origin: germline. Not counted in ClinVar's aggregate classification.
Comment: This variant is classified as benign based on ACMG/AMP sequence variant interpretation guidelines (Richards et al. 2015 PMID: 25741868, with internal and published modifications).